The following is an entry in ClinVar:

ClinVar aggregate classification (germline): Likely benign. Review status: criteria provided, multiple submitters, no conflicts (2 of 4 stars). 2 submissions from 2 submitters: Likely benign (2). Last evaluated 2025-08-22.

Conditions:
SMAD2-related disorder. Also called: SMAD2-related condition; SMAD2-related disorders.

Allele frequency attached by ClinVar (database versions not stated): gnomAD 0.00001; TOPMed 0.00002; gnomAD exomes below 0.00001.
gnomAD v4.1: 7 of 1,611,802 alleles (0.00043%); highest among the groups gnomAD compares: Non-Finnish European, 0.00059%; no homozygotes.

Submissions (2):

PreventionGenetics, part of Exact Sciences
Classification: Likely benign for SMAD2-related condition. Last evaluated: 2025-08-22. Review status: criteria provided, single submitter. Criteria: ACMG Guidelines, 2015. Collection method: clinical testing. Allele origin: germline.
Comment: This variant is classified as likely benign based on ACMG/AMP sequence variant interpretation guidelines (Richards et al. 2015 PMID: 25741868, with internal and published modifications).

Labcorp Genetics (formerly Invitae), Labcorp
Classification: Likely benign. Last evaluated: 2025-06-23. Review status: criteria provided, single submitter. Criteria: Invitae Variant Classification Sherloc (09022015). Collection method: clinical testing. Allele origin: germline.

NM_005901.6(SMAD2):c.1136-5C>T

Gene: SMAD2 (SMAD family member 2; minus strand). Cytogenetic location: 18q21.1.
Variant type: single nucleotide variant.
Coding change: c.1136-5C>T on transcript NM_005901.6 (MANE Select); 5 bases into the intron before coding-DNA position 1136, C replaced by T.
Molecular consequence: intron variant.
Genome position (GRCh38, 1-based): chr18:47,845,489, G>A on the plus strand (C>T on the coding strand, the complement: SMAD2 is on the minus strand). VCF-style: chr18-47845489-G-A. GRCh37 (hg19) VCF-style: chr18-45371860-G-A.
Other names: c.1136-5C>T (NM_005901.5, NM_001003652.4); c.1046-5C>T (NM_001135937.3).
Identifiers: ClinVar variation 3016600 (VCV003016600.4), dbSNP rs1391737880, ClinGen allele CA629927532.